The following is an entry in ClinVar:

NM_199242.3(UNC13D):c.31C>T (p.Arg11Cys)

Gene: UNC13D (unc-13 homolog D; minus strand). Cytogenetic location: 17q25.1.
Variant type: single nucleotide variant.
Coding change: c.31C>T on transcript NM_199242.3 (MANE Select); coding-DNA position 31, C replaced by T.
Protein change: p.Arg11Cys; replaces arginine 11 with cysteine.
Molecular consequence: missense variant.
Genome position (GRCh38, 1-based): chr17:75,844,307, G>A on the plus strand (C>T on the coding strand, the complement: UNC13D is on the minus strand). VCF-style: chr17-75844307-G-A. GRCh37 (hg19) VCF-style: chr17-73840388-G-A.
Other names: short protein forms R11C.
Identifiers: ClinVar variation 2186447 (VCV002186447.1), dbSNP rs373721287, ClinGen allele CA8773697.

ClinVar aggregate classification (germline): Uncertain significance (1 of 4 stars; one submission).

Conditions:
Familial hemophagocytic lymphohistiocytosis 3 (FHL3). Also called: UNC13D-Related Familial Hemophagocytic Lymphohistiocytosis (UNC13D-fHLH). Identifiers: Orphanet 540, MedGen C1837174, MONDO:0012146, OMIM 608898.

Allele frequency attached by ClinVar (database versions not stated): ExAC 0.00001; gnomAD exomes 0.00001; gnomAD 0.00003; TOPMed 0.00003; ESP Exome Variant Server 0.00015.
gnomAD v4.1: 11 of 1,612,302 alleles (0.00068%); highest among the groups gnomAD compares: African/African-American, 0.004%; no homozygotes.

Submission:

Labcorp Genetics (formerly Invitae), Labcorp
Classification: Uncertain significance for Familial hemophagocytic lymphohistiocytosis 3. Last evaluated: 2022-06-12. Review status: criteria provided, single submitter. Criteria: Invitae Variant Classification Sherloc (09022015). Collection method: clinical testing. Allele origin: germline.
Comment: This sequence change replaces arginine, which is basic and polar, with cysteine, which is neutral and slightly polar, at codon 11 of the UNC13D protein (p.Arg11Cys). This variant is present in population databases (rs373721287, gnomAD 0.003%). This variant has not been reported in the literature in individuals affected with UNC13D-related conditions. Algorithms developed to predict the effect of missense changes on protein structure and function are either unavailable or do not agree on the potential impact of this missense change (SIFT: "Not Available"; PolyPhen-2: "Probably Damaging"; Align-GVGD: "Not Available"). In summary, the available evidence is currently insufficient to determine the role of this variant in disease. Therefore, it has been classified as a Variant of Uncertain Significance.